The following is an entry in ClinVar:

ClinVar aggregate classification (germline): Pathogenic/Likely pathogenic. Review status: criteria provided, multiple submitters, no conflicts (2 of 4 stars). 3 submissions from 3 submitters: Pathogenic (2); Likely pathogenic (1). Last evaluated 2024-06-14.

Conditions:
Hermansky-Pudlak syndrome 6 (HPS6). Identifiers: Orphanet 231512, Orphanet 79430, MedGen C3888007, MONDO:0013558, OMIM 614075.
Hermansky-Pudlak syndrome (HPS). Also called: ALBINISM WITH HEMORRHAGIC DIATHESIS AND PIGMENTED RETICULOENDOTHELIAL CELLS. Identifiers: Orphanet 79430, MedGen C0079504, MONDO:0019312.

Allele frequency attached by ClinVar (database versions not stated): gnomAD 0.00001.

Submissions (3):

Fulgent Genetics
Classification: Likely pathogenic for Hermansky-Pudlak syndrome 6. Last evaluated: 2024-06-14. Review status: criteria provided, single submitter. Criteria: ACMG Guidelines, 2015. Collection method: clinical testing. Allele origin: germline.

Labcorp Genetics (formerly Invitae), Labcorp
Classification: Pathogenic. Last evaluated: 2023-04-13. Review status: criteria provided, single submitter. Criteria: Invitae Variant Classification Sherloc (09022015). Collection method: clinical testing. Allele origin: germline.
Comment: This variant disrupts a region of the HPS6 protein in which other variant(s) (p.Arg667*) have been determined to be pathogenic (PMID: 33878481; Invitae). This suggests that this is a clinically significant region of the protein, and that variants that disrupt it are likely to be disease-causing. ClinVar contains an entry for this variant (Variation ID: 627011). This premature translational stop signal has been observed in individual(s) with HPS6-related conditions (PMID: 27593200, 31064749). In at least one individual the data is consistent with being in trans (on the opposite chromosome) from a pathogenic variant. This variant is not present in population databases (gnomAD no frequency). This sequence change creates a premature translational stop signal (p.Val52Glufs*6) in the HPS6 gene. While this is not anticipated to result in nonsense mediated decay, it is expected to disrupt the last 724 amino acid(s) of the HPS6 protein. For these reasons, this variant has been classified as Pathogenic.

NIHR Bioresource Rare Diseases, University of Cambridge
Classification: Pathogenic for Hermansky-Pudlak syndrome. Last evaluated: 2019-02-01. Review status: criteria provided, single submitter. Criteria: ACMG Guidelines, 2015. Collection method: research. Allele origin: unknown. Affected: yes. Observed: 1 compound heterozygote. Study: ThromboGenomics.

Literature cited by the submitters: PubMed 33878481 (cited by Labcorp Genetics (formerly Invitae), Labcorp); PubMed 27593200 (cited by Labcorp Genetics (formerly Invitae), Labcorp); PubMed 31064749 (cited by Labcorp Genetics (formerly Invitae), Labcorp and NIHR Bioresource Rare Diseases, University of Cambridge).

NM_024747.6(HPS6):c.155del (p.Val52fs)

Genes: HPS6 (HPS6 biogenesis of lysosomal organelles complex 2 subunit 3; plus strand), LOC130004578 (ATAC-STARR-seq lymphoblastoid silent region 2738; plus strand). Cytogenetic location: 10q24.32.
Variant type: Deletion.
Coding change: c.155del on transcript NM_024747.6 (MANE Select); coding-DNA position 155, one base deleted (T; older notation c.155delT).
Protein change: p.Val52fs; shifts the reading frame from valine 52.
Molecular consequence: frameshift variant.
Genome position (GRCh38, 1-based): chr10:102,065,629, T deleted. VCF-style (leftmost placement, unchanged base first): chr10-102065628-GT-G. GRCh37 (hg19) VCF-style: chr10-103825385-GT-G.
Other names: c.155delT (NM_024747.5); short protein forms V52fs.
Identifiers: ClinVar variation 627011 (VCV000627011.6), dbSNP rs1590262450, ClinGen allele CA915947570.